The following is an entry in ClinVar:

NM_001243133.2(NLRP3):c.1269G>A (p.Gln423=)

Gene: NLRP3 (NLR family pyrin domain containing 3; plus strand). Cytogenetic location: 1q44.
Variant type: single nucleotide variant.
Coding change: c.1269G>A on transcript NM_001243133.2 (MANE Select); coding-DNA position 1269, G replaced by A.
Protein change: p.Gln423=; no amino-acid change (glutamine 423 retained).
Molecular consequence: synonymous variant.
Genome position (GRCh38, 1-based): chr1:247,424,718, G>A. VCF-style: chr1-247424718-G-A. GRCh37 (hg19) VCF-style: chr1-247588020-G-A.
Other names: c.1269G>A, p.Gln423= (NM_001079821.3, NM_001127461.3, NM_001127462.3 and 1 more transcripts); c.1275G>A, p.Gln425= (NM_004895.5).
Identifiers: ClinVar variation 1694431 (VCV001694431.12), dbSNP rs201035625, ClinGen allele CA1495004.

ClinVar aggregate classification (germline): Conflicting classifications of pathogenicity. Review status: criteria provided, conflicting classifications (1 of 4 stars). 3 submissions from 3 submitters: Uncertain significance (1); Likely benign (1). 1 of the submissions does not count toward it. Last evaluated 2022-03-04.

Conditions:
NLRP3-related disorder. Also called: NLRP3-related condition; NLRP3-Related Disorders.
Autoinflammatory syndrome. Identifiers: Orphanet 93665, MedGen C3890737, MONDO:0019751.
Cryopyrin associated periodic syndrome (CAPS). Identifiers: Orphanet 208650, MedGen C2316212, MONDO:0016168.

Allele frequency attached by ClinVar (database versions not stated): TOPMed 0.00001; gnomAD 0.00002; gnomAD exomes 0.00002 and 0.00003; ExAC 0.00005.
gnomAD v4.1: 34 of 1,613,992 alleles (0.0021%); highest among the groups gnomAD compares: Non-Finnish European, 0.0029%; no homozygotes.

Submissions (3):

Labcorp Genetics (formerly Invitae), Labcorp
Classification: Likely benign for Cryopyrin associated periodic syndrome. Last evaluated: 2022-03-04. Review status: criteria provided, single submitter. Criteria: Invitae Variant Classification Sherloc (09022015). Collection method: clinical testing. Allele origin: germline.

Genome Diagnostics Laboratory, The Hospital for Sick Children
Classification: Uncertain significance for Autoinflammatory syndrome. Last evaluated: 2018-05-01. Review status: criteria provided, single submitter. Criteria: ACMG Guidelines, 2015. Collection method: clinical testing. Allele origin: germline. Affected: yes.

PreventionGenetics, part of Exact Sciences
Classification: Likely benign for NLRP3-related condition. Last evaluated: 2019-03-27. Review status: no assertion criteria provided. Collection method: clinical testing. Allele origin: germline. Not counted in ClinVar's aggregate classification.
Comment: This variant is classified as likely benign based on ACMG/AMP sequence variant interpretation guidelines (Richards et al. 2015 PMID: 25741868, with internal and published modifications).